The following is an entry in ClinVar:

ClinVar aggregate classification (germline): Uncertain significance (1 of 4 stars; one submission).

Conditions:
Hereditary cancer-predisposing syndrome. Also called: Neoplastic Syndromes, Hereditary; Tumor predisposition; Hereditary Cancer Syndrome; Hereditary neoplastic syndrome. Identifiers: Orphanet 140162, MedGen C0027672, MeSH D009386, MONDO:0015356.

Submission:

Ambry Genetics
Classification: Uncertain significance for Hereditary cancer-predisposing syndrome. Last evaluated: 2025-02-15. Review status: criteria provided, single submitter. Criteria: Ambry Variant Classification Scheme 2023. Collection method: clinical testing. Allele origin: germline.
Comment: The p.S2114F variant (also known as c.6341C>T), located in coding exon 42 of the ATM gene, results from a C to T substitution at nucleotide position 6341. The serine at codon 2114 is replaced by phenylalanine, an amino acid with highly dissimilar properties. This amino acid position is conserved. In addition, this alteration is predicted to be tolerated by in silico analysis. Based on the available evidence, the clinical significance of this variant remains unclear.

NM_000051.4(ATM):c.6341C>T (p.Ser2114Phe)

Genes: C11orf65 (chromosome 11 open reading frame 65; minus strand), ATM (ATM serine/threonine kinase; plus strand). Cytogenetic location: 11q22.3.
Variant type: single nucleotide variant.
Coding change: c.6341C>T on transcript NM_000051.4 (MANE Select); coding-DNA position 6341, C replaced by T.
Protein change: p.Ser2114Phe; replaces serine 2114 with phenylalanine.
Molecular consequence: missense variant. On other transcripts: intron variant (2).
Genome position (GRCh38, 1-based): chr11:108,317,515, C>T. VCF-style: chr11-108317515-C-T. GRCh37 (hg19) VCF-style: chr11-108188242-C-T.
Other names: c.6341C>T, p.Ser2114Phe (NM_001351834.2); c.641-8444G>A (NM_001330368.2); c.*39-8444G>A (NM_001351110.2); short protein forms S2114F.
Identifiers: ClinVar variation 3802719 (VCV003802719.1).
Genomic context (GRCh38, chr11:108,317,515, plus strand): 5'-AACTAGAAGAACTTCATTACCAAGCAGCATGGAGGAATATGCAGTGGGACCATTGCACTT[C>T]CGTCAGGTAAGAAATTTGACTTGATTTTTTTTTTTTTGCCTCTCTCCTCATTCTAAACAA-3'
Protein context (NP_000042.3, residues 2104-2124): WRNMQWDHCT[Ser2114Phe]VSKEVEGTSY